The following is an entry in ClinVar:

NM_004068.4(AP2M1):c.223G>A (p.Ala75Thr)

Gene: AP2M1 (adaptor related protein complex 2 subunit mu 1; plus strand). Cytogenetic location: 3q27.1.
Variant type: single nucleotide variant.
Coding change: c.223G>A on transcript NM_004068.4 (MANE Select); coding-DNA position 223, G replaced by A.
Protein change: p.Ala75Thr; replaces alanine 75 with threonine.
Molecular consequence: missense variant.
Genome position (GRCh38, 1-based): chr3:184,179,005, G>A. VCF-style: chr3-184179005-G-A. GRCh37 (hg19) VCF-style: chr3-183896793-G-A.
Other names: c.223G>A, p.Ala75Thr (NM_001025205.2); c.298G>A, p.Ala100Thr (NM_001311198.2); short protein forms A100T, A75T.
Identifiers: ClinVar variation 4702274 (VCV004702274.1).

ClinVar aggregate classification (germline): Uncertain significance (1 of 4 stars; one submission).

gnomAD v4.1: 13 of 1,614,054 alleles (0.00081%); highest among the groups gnomAD compares: South Asian, 0.0055%; no homozygotes.

Submission:

Labcorp Genetics (formerly Invitae), Labcorp
Classification: Uncertain significance. Last evaluated: 2025-10-20. Review status: criteria provided, single submitter. Criteria: Invitae Variant Classification Sherloc (09022015). Collection method: clinical testing. Allele origin: germline.
Comment: This sequence change replaces alanine, which is neutral and non-polar, with threonine, which is neutral and polar, at codon 75 of the AP2M1 protein (p.Ala75Thr). This variant is present in population databases (rs761946127, gnomAD 0.006%). This variant has not been reported in the literature in individuals affected with AP2M1-related conditions. An algorithm developed to predict the effect of missense changes on protein structure and function (PolyPhen-2) suggests that this variant is likely to be disruptive. In summary, the available evidence is currently insufficient to determine the role of this variant in disease. Therefore, it has been classified as a Variant of Uncertain Significance.